The following is an entry in ClinVar:

NM_001277115.2(DNAH11):c.11269A>G (p.Ile3757Val)

Gene: DNAH11 (dynein axonemal heavy chain 11; plus strand). Cytogenetic location: 7p15.3.
Variant type: single nucleotide variant.
Coding change: c.11269A>G on transcript NM_001277115.2 (MANE Select); coding-DNA position 11269, A replaced by G.
Protein change: p.Ile3757Val; replaces isoleucine 3757 with valine.
Molecular consequence: missense variant.
Genome position (GRCh38, 1-based): chr7:21,861,919, A>G. VCF-style: chr7-21861919-A-G. GRCh37 (hg19) VCF-style: chr7-21901537-A-G.
Other names: short protein forms I3757V.
Identifiers: ClinVar variation 4241995 (VCV004241995.1).
Genomic context (GRCh38, chr7:21,861,919, plus strand): 5'-AACGTGCTGTTCCACAGAGCGATCGAGCAGGCTGACAAGGTGGAAGACATGCAGGGACGC[A>G]TCTCTATCCTGATGGAGAGCATCACCCATGCTGTCTTCCTCTACACCAGCCAGGCGCTGT-3'
Protein context (NP_001264044.1, residues 3747-3767): ADKVEDMQGR[Ile3757Val]SILMESITHA

ClinVar aggregate classification (germline): Uncertain significance (1 of 4 stars; one submission).

Conditions:
Primary ciliary dyskinesia. Also called: Ciliary dyskinesia. Identifiers: Orphanet 244, MedGen C0008780, MONDO:0016575, HP:0012265.

gnomAD v4.1: 3 of 1,613,464 alleles (0.00019%); highest among the groups gnomAD compares: Admixed American, 0.0017%; no homozygotes.

Submission:

Ambry Genetics
Classification: Uncertain significance for Primary ciliary dyskinesia. Last evaluated: 2025-06-20. Review status: criteria provided, single submitter. Criteria: Ambry Variant Classification Scheme 2023. Collection method: clinical testing. Allele origin: germline.
Comment: The p.I3757V variant (also known as c.11269A>G), located in coding exon 69 of the DNAH11 gene, results from an A to G substitution at nucleotide position 11269. The isoleucine at codon 3757 is replaced by valine, an amino acid with highly similar properties. This amino acid position is conserved. In addition, this alteration is predicted to be tolerated by in silico analysis. Based on the available evidence, the clinical significance of this variant remains unclear.